The following is an entry in ClinVar:

NM_001379291.1(BRD4):c.2319A>G (p.Gln773=)

Gene: BRD4 (bromodomain containing 4; minus strand). Cytogenetic location: 19p13.12.
Variant type: single nucleotide variant.
Coding change: c.2319A>G on transcript NM_001379291.1 (MANE Select); coding-DNA position 2319, A replaced by G.
Protein change: p.Gln773=; no amino-acid change (glutamine 773 retained).
Molecular consequence: synonymous variant.
Genome position (GRCh38, 1-based): chr19:15,244,493, T>C on the plus strand (A>G on the coding strand, the complement: BRD4 is on the minus strand). VCF-style: chr19-15244493-T-C. GRCh37 (hg19) VCF-style: chr19-15355304-T-C.
Other names: c.2319A>G, p.Gln773= (NM_058243.3).
Identifiers: ClinVar variation 3771704 (VCV003771704.13).

ClinVar aggregate classification (germline): Likely benign (1 of 4 stars; one submission).

gnomAD v4.1: 1 of 1,465,620 alleles (0.000068%); highest among the groups gnomAD compares: African/African-American, 0.0015%; no homozygotes.

Submission:

CeGaT Center for Human Genetics Tuebingen
Classification: Likely benign. Last evaluated: 2025-02-01. Review status: criteria provided, single submitter. Criteria: CeGaT Center For Human Genetics Tuebingen Variant Classification Criteria Version 2. Collection method: clinical testing. Allele origin: germline. Affected: yes. Observed: 1 variant allele.
Comment: BRD4: BP4, BP7